The following is an entry in ClinVar:

ClinVar aggregate classification (germline): Uncertain significance (1 of 4 stars; one submission).

Submission:

Labcorp Genetics (formerly Invitae), Labcorp
Classification: Uncertain significance. Last evaluated: 2022-04-04. Review status: criteria provided, single submitter. Criteria: Invitae Variant Classification Sherloc (09022015). Collection method: clinical testing. Allele origin: germline.
Comment: This sequence change replaces arginine, which is basic and polar, with lysine, which is basic and polar, at codon 573 of the MYH3 protein (p.Arg573Lys). In summary, the available evidence is currently insufficient to determine the role of this variant in disease. Therefore, it has been classified as a Variant of Uncertain Significance. Algorithms developed to predict the effect of missense changes on protein structure and function output the following: SIFT: "Tolerated"; PolyPhen-2: "Benign"; Align-GVGD: "Class C0". The lysine amino acid residue is found in multiple mammalian species, which suggests that this missense change does not adversely affect protein function. This variant has not been reported in the literature in individuals affected with MYH3-related conditions. This variant is not present in population databases (gnomAD no frequency).

NM_002470.4(MYH3):c.1718G>A (p.Arg573Lys)

Gene: MYH3 (myosin heavy chain 3; minus strand). Cytogenetic location: 17p13.1.
Variant type: single nucleotide variant.
Coding change: c.1718G>A on transcript NM_002470.4 (MANE Select); coding-DNA position 1718, G replaced by A.
Protein change: p.Arg573Lys; replaces arginine 573 with lysine.
Molecular consequence: missense variant.
Genome position (GRCh38, 1-based): chr17:10,642,587, C>T on the plus strand (G>A on the coding strand, the complement: MYH3 is on the minus strand). VCF-style: chr17-10642587-C-T. GRCh37 (hg19) VCF-style: chr17-10545904-C-T.
Other names: short protein forms R573K.
Identifiers: ClinVar variation 2121319 (VCV002121319.4), dbSNP rs2508612349, ClinGen allele CA398171494.
Genomic context (GRCh38, chr17:10,642,587, plus strand): 5'-CCTGAGACACTGTAGTCCACGGTGCCCGCATAGTGGATCAGTGAGAAGTGAGCCTCGGCC[C>T]TGCCTTTGACCACCTTGGGCTTCTGGAAGTTGTTGGACTTTCCAAGATGCTGGTCATACA-3'
Protein context (NP_002461.2, residues 563-583): NFQKPKVVKG[Arg573Lys]AEAHFSLIHY